The following is an entry in ClinVar:

NM_174936.4(PCSK9):c.238del (p.Val80fs)

Gene: PCSK9 (proprotein convertase subtilisin/kexin type 9; plus strand). Cytogenetic location: 1p32.3.
Variant type: Deletion.
Coding change: c.238del on transcript NM_174936.4 (MANE Select); coding-DNA position 238, one base deleted (G; older notation c.238delG).
Protein change: p.Val80fs; shifts the reading frame from valine 80.
Molecular consequence: frameshift variant.
Genome position (GRCh38, 1-based): chr1:55,043,873, G deleted; the last of 2 consecutive G bases (chr1:55,043,872-55,043,873); deleting either gives the same sequence. VCF-style (leftmost placement, unchanged base first): chr1-55043871-TG-T. GRCh37 (hg19) VCF-style: chr1-55509544-TG-T.
Other names: short protein forms V80fs.
Identifiers: ClinVar variation 972465 (VCV000972465.8), dbSNP rs1644614862, ClinGen allele CA1139655488.

ClinVar aggregate classification (germline): Uncertain significance (1 of 4 stars; one submission).

Conditions:
Hypercholesterolemia, autosomal dominant, 3 (FHCL3). Also called: Familial Hypercholesterolemia, Autosomal Dominant, 3; Familial hypercholesterolemia 3; PCSK9-Related Familial Hypercholesterolemia, Autosomal Dominant. Identifiers: MedGen C1863551, MONDO:0011369, OMIM 603776.

Submission:

Labcorp Genetics (formerly Invitae), Labcorp
Classification: Uncertain significance for Hypercholesterolemia, autosomal dominant, 3. Last evaluated: 2019-10-18. Review status: criteria provided, single submitter. Criteria: Invitae Variant Classification Sherloc (09022015). Collection method: clinical testing. Allele origin: germline.
Comment: In summary, the available evidence is currently insufficient to determine the role of this variant in disease. Therefore, it has been classified as a Variant of Uncertain Significance. The current clinical and genetic evidence is not sufficient to establish whether loss-of-function variants in PCSK9 cause disease. This variant has not been reported in the literature in individuals with PCSK9-related conditions. This variant is not present in population databases (ExAC no frequency). This sequence change creates a premature translational stop signal (p.Val80Trpfs*3) in the PCSK9 gene. It is expected to result in an absent or disrupted protein product.